The following is an entry in ClinVar:

ClinVar aggregate classification (germline): Pathogenic (1 of 4 stars; one submission).

Conditions:
PAX9-related disorder. Also called: PAX9-related condition.

Submission:

PreventionGenetics, part of Exact Sciences
Classification: Pathogenic for PAX9-related condition. Last evaluated: 2022-08-31. Review status: criteria provided, single submitter. Criteria: ACMG Guidelines, 2015. Collection method: clinical testing. Allele origin: germline.
Comment: The PAX9 c.139delC variant is predicted to result in a frameshift and premature protein termination (p.Arg47Glyfs*38). To our knowledge, this variant has not been reported in the literature or in a large population database, indicating this variant is rare. Frameshift variants in PAX9 are expected to be pathogenic, and therefore this variant is interpreted as pathogenic.

NM_001372076.1(PAX9):c.139del (p.Arg47fs)

Gene: PAX9 (paired box 9; plus strand). Cytogenetic location: 14q13.3.
Variant type: Deletion.
Coding change: c.139del on transcript NM_001372076.1 (MANE Select); coding-DNA position 139, one base deleted (C; older notation c.139delC).
Protein change: p.Arg47fs; shifts the reading frame from arginine 47.
Molecular consequence: frameshift variant.
Genome position (GRCh38, 1-based): chr14:36,663,031, C deleted. VCF-style (leftmost placement, unchanged base first): chr14-36663030-AC-A. GRCh37 (hg19) VCF-style: chr14-37132235-AC-A.
Other names: c.139del, p.Arg47fs (NM_006194.4); short protein forms R47fs.
Identifiers: ClinVar variation 2636409 (VCV002636409.1), dbSNP rs2502236933, ClinGen allele CA2695199817.
Genomic context (GRCh38, chr14:36,663,030, plus strand): 5'-GCTTCGCATCGTGGAACTGGCCCAACTGGGCATCCGACCGTGTGACATCAGCCGCCAGCT[AC>A]GGGTCTCGCACGGCTGCGTCAGCAAGATCCTGGCGCGATACAACGAGACGGGCTCGATCT-3'